The following is an entry in ClinVar:

NM_002972.4(SBF1):c.4204G>C (p.Ala1402Pro)

Gene: SBF1 (SET binding factor 1; minus strand). Cytogenetic location: 22q13.33.
Variant type: single nucleotide variant.
Coding change: c.4204G>C on transcript NM_002972.4 (MANE Select); coding-DNA position 4204, G replaced by C.
Protein change: p.Ala1402Pro; replaces alanine 1402 with proline.
Molecular consequence: missense variant.
Genome position (GRCh38, 1-based): chr22:50,456,278, C>G on the plus strand (G>C on the coding strand, the complement: SBF1 is on the minus strand). VCF-style: chr22-50456278-C-G. GRCh37 (hg19) VCF-style: chr22-50894707-C-G.
Other names: c.4129G>C, p.Ala1377Pro (NM_001365819.1); short protein forms A1377P, A1402P.
Identifiers: ClinVar variation 1315193 (VCV001315193.2), dbSNP rs374287730, ClinGen allele CA412198802.

ClinVar aggregate classification (germline): Uncertain significance (1 of 4 stars; one submission).

gnomAD v4.1: 1 of 1,612,654 alleles (0.000062%); highest among the groups gnomAD compares: East Asian, 0.0022%; no homozygotes.

Submission:

GeneDx
Classification: Uncertain significance. Last evaluated: 2020-02-19. Review status: criteria provided, single submitter. Criteria: GeneDx Variant Classification Process June 2021. Collection method: clinical testing. Allele origin: germline. Affected: yes.
Comment: Not observed in large population cohorts (Lek et al., 2016); In silico analysis supports that this missense variant does not alter protein structure/function; Has not been previously published as pathogenic or benign to our knowledge